The following is an entry in ClinVar:

ClinVar aggregate classification (germline): Pathogenic (1 of 4 stars; one submission).

gnomAD v4.1: 1 of 1,614,184 alleles (0.000062%); highest among the groups gnomAD compares: Non-Finnish European, 0.000085%; no homozygotes.

Submission:

Labcorp Genetics (formerly Invitae), Labcorp
Classification: Pathogenic. Last evaluated: 2025-05-19. Review status: criteria provided, single submitter. Criteria: Invitae Variant Classification Sherloc (09022015). Collection method: clinical testing. Allele origin: germline.
Comment: This sequence change creates a premature translational stop signal (p.Gln841*) in the ABCA4 gene. It is expected to result in an absent or disrupted protein product. Loss-of-function variants in ABCA4 are known to be pathogenic (PMID: 10958761, 24938718, 25312043, 26780318). This variant is present in population databases (rs143100856, gnomAD 0.0009%). This premature translational stop signal has been observed in individual(s) with clinical features of Stargardt disease (PMID: 26593885, 35120629). For these reasons, this variant has been classified as Pathogenic.

Literature cited by the submitters: PubMed 10958761; PubMed 24938718; PubMed 25312043; PubMed 26780318; PubMed 26593885; PubMed 35120629.

NM_000350.3(ABCA4):c.2521C>T (p.Gln841Ter)

Gene: ABCA4 (ATP binding cassette subfamily A member 4; minus strand). Cytogenetic location: 1p22.1.
Variant type: single nucleotide variant.
Coding change: c.2521C>T on transcript NM_000350.3 (MANE Select); coding-DNA position 2521, C replaced by T.
Protein change: p.Gln841Ter; replaces glutamine 841 with a stop codon.
Molecular consequence: nonsense.
Genome position (GRCh38, 1-based): chr1:94,055,177, G>A on the plus strand (C>T on the coding strand, the complement: ABCA4 is on the minus strand). VCF-style: chr1-94055177-G-A. GRCh37 (hg19) VCF-style: chr1-94520733-G-A.
Other names: c.2299C>T, p.Gln767Ter (NM_001425324.1); short protein forms Q767*, Q841*.
Identifiers: ClinVar variation 4746860 (VCV004746860.1).